The following is an entry in ClinVar:

ClinVar aggregate classification (germline): Uncertain significance (1 of 4 stars; one submission).

Conditions:
Cockayne syndrome. Identifiers: Orphanet 191, MedGen C0009207, MONDO:0016006.
Fanconi anemia complementation group Q. Identifiers: Orphanet 84, MedGen C3808988, MONDO:0014108, OMIM 615272.
Xeroderma pigmentosum, group F (XPF). Also called: ERCC4-Related Xeroderma Pigmentosum; XERODERMA PIGMENTOSUM, TYPE F; Xeroderma pigmentosum, type 6; XERODERMA PIGMENTOSUM, COMPLEMENTATION GROUP F; XERODERMA PIGMENTOSUM VI; XP, GROUP F. Identifiers: MedGen C0268140, MONDO:0010215, OMIM 278760.

gnomAD v4.1: 1 of 1,612,930 alleles (0.000062%); highest among the groups gnomAD compares: Non-Finnish European, 0.000085%; no homozygotes.

Submission:

Labcorp Genetics (formerly Invitae), Labcorp
Classification: Uncertain significance for Fanconi anemia complementation group Q; Xeroderma pigmentosum, group F; Cockayne syndrome. Last evaluated: 2024-07-30. Review status: criteria provided, single submitter. Criteria: Invitae Variant Classification Sherloc (09022015). Collection method: clinical testing. Allele origin: germline.
Comment: This sequence change replaces valine, which is neutral and non-polar, with isoleucine, which is neutral and non-polar, at codon 665 of the ERCC4 protein (p.Val665Ile). This variant is not present in population databases (gnomAD no frequency). This variant has not been reported in the literature in individuals affected with ERCC4-related conditions. Advanced modeling of protein sequence and biophysical properties (such as structural, functional, and spatial information, amino acid conservation, physicochemical variation, residue mobility, and thermodynamic stability) performed at Invitae indicates that this missense variant is not expected to disrupt ERCC4 protein function with a negative predictive value of 80%. In summary, the available evidence is currently insufficient to determine the role of this variant in disease. Therefore, it has been classified as a Variant of Uncertain Significance.

NM_005236.3(ERCC4):c.1993G>A (p.Val665Ile)

Gene: ERCC4 (ERCC excision repair 4, endonuclease catalytic subunit; plus strand). Cytogenetic location: 16p13.12.
Variant type: single nucleotide variant.
Coding change: c.1993G>A on transcript NM_005236.3 (MANE Select); coding-DNA position 1993, G replaced by A.
Protein change: p.Val665Ile; replaces valine 665 with isoleucine.
Molecular consequence: missense variant.
Genome position (GRCh38, 1-based): chr16:13,944,811, G>A. VCF-style: chr16-13944811-G-A. GRCh37 (hg19) VCF-style: chr16-14038668-G-A.
Other names: short protein forms V665I.
Identifiers: ClinVar variation 3750453 (VCV003750453.2).